The following is an entry in ClinVar:

ClinVar aggregate classification (germline): Conflicting classifications of pathogenicity. Review status: criteria provided, conflicting classifications (1 of 4 stars). 5 submissions from 5 submitters: Uncertain significance (4); Likely benign (1). Last evaluated 2026-01-20.

Conditions:
Pyruvate kinase deficiency of red cells (CNSHA2). Also called: Pyruvate kinase deficiency, Amish type; PK DEFICIENCY; PYRUVATE KINASE DEFICIENCY OF ERYTHROCYTE. Identifiers: Orphanet 766, MedGen C0340968, MONDO:0009950, OMIM 266200.

Allele frequency attached by ClinVar (database versions not stated): gnomAD exomes 0.00013 and 0.00033; 1000 Genomes Project 30x 0.00016; 1000 Genomes Project 0.00020; ExAC 0.00043; gnomAD 0.00147 and 0.00163; ESP Exome Variant Server 0.00154; TOPMed 0.00156.
gnomAD v4.1: 420 of 1,614,206 alleles (0.026%); highest among the groups gnomAD compares: African/African-American, 0.52%; no homozygotes.

Submissions (5):

Labcorp Genetics (formerly Invitae), Labcorp
Classification: Likely benign. Last evaluated: 2026-01-20. Review status: criteria provided, single submitter. Criteria: Invitae Variant Classification Sherloc (09022015). Collection method: clinical testing. Allele origin: germline.

ARUP Laboratories, Molecular Genetics and Genomics, ARUP Laboratories
Classification: Uncertain significance. Last evaluated: 2025-02-21. Review status: criteria provided, single submitter. Criteria: ARUP Molecular Germline Variant Investigation Process 2024. Collection method: clinical testing. Allele origin: germline.
Comment: The PKLR c.814C>G; p.Leu272Val variant (rs147659527, ClinVar Variation ID: 993464) is reported in the literature in one individual affected with non-spherocytic hemolytic anemia (Zanella 1997), and in one individual with reticulocytosis and mild anemia (van Wijk 2009). However, the latter individual had normal PK levels and was homozygous for hemoglobin C. In another individual with sickle cell anemia, the PLKR p.Leu272Val variant was suspected to cause the phenotype since the individual was heterozygous for Hb S (Alli 2008). This variant is also reported in at least three individuals (including one homozygote) without symptoms of PK-deficiency (van Bruggen 2015, van Wijk 2009). This variant is found in the African/African American population with an allele frequency of 0.495% (123/24,868 alleles) in the Genome Aggregation Database (v2.1.1). Computational analyses predict that this variant is deleterious (REVEL: 0.92). While the high population frequency suggests that this is likely a benign variant, due to limited and conflicting information, the clinical significance of this variant is uncertain at this time. References: Alli N et al. Sickle cell disease in a carrier with pyruvate kinase deficiency. Hematology. 2008 Dec;13(6):369-72. PMID: 19055867. Berghout J et al. Genetic diversity in human erythrocyte pyruvate kinase. Genes Immun. 2012 Jan. PMID: 21833022. van Bruggen R et al. Modulation of Malaria Phenotypes by Pyruvate Kinase (PKLR) Variants in a Thai Population. PLoS One. 2015 PMID: 26658699. van Wijk R et al. Fifteen novel mutations in PKLR associated with pyruvate kinase (PK) deficiency: structural implications of amino acid substitutions in PK. Hum Mutat. 2009 Mar. PMID: 19085939. Zanella A et al. Molecular characterization of PK-LR gene in pyruvate kinase-deficient Italian patients. Blood. 1997 May 15. PMID: 9160692.

Mayo Clinic Laboratories, Mayo Clinic
Classification: Uncertain significance. Last evaluated: 2024-11-28. Review status: criteria provided, single submitter. Criteria: ACMG Guidelines, 2015. Collection method: clinical testing. Allele origin: germline. Observed: 5 variant alleles.
Comment: PP3, PM1

Revvity Omics, Revvity
Classification: Uncertain significance. Last evaluated: 2024-08-28. Review status: criteria provided, single submitter. Criteria: ACMG Guidelines, 2015. Collection method: clinical testing. Allele origin: germline.

Baylor Genetics
Classification: Uncertain significance for Pyruvate kinase deficiency of red cells. Last evaluated: 2018-02-22. Review status: criteria provided, single submitter. Criteria: ACMG Guidelines, 2015. Collection method: clinical testing. Allele origin: unknown. Affected: yes.
Comment: This variant was determined to be of uncertain significance according to ACMG Guidelines, 2015 [PMID:25741868].

NM_000298.6(PKLR):c.814C>G (p.Leu272Val)

Gene: PKLR (pyruvate kinase L/R; minus strand). Cytogenetic location: 1q22.
Variant type: single nucleotide variant.
Coding change: c.814C>G on transcript NM_000298.6 (MANE Select); coding-DNA position 814, C replaced by G.
Protein change: p.Leu272Val; replaces leucine 272 with valine.
Molecular consequence: missense variant.
Genome position (GRCh38, 1-based): chr1:155,294,633, G>C on the plus strand (C>G on the coding strand, the complement: PKLR is on the minus strand). VCF-style: chr1-155294633-G-C. GRCh37 (hg19) VCF-style: chr1-155264424-G-C.
Other names: p.Leu272Val; c.721C>G, p.Leu241Val (NM_181871.4); short protein forms L241V, L272V.
Identifiers: ClinVar variation 993464 (VCV000993464.25), dbSNP rs147659527, ClinGen allele CA1144204.
Genomic context (GRCh38, chr1:155,294,633, plus strand): 5'-TGGCTTTCCGCACAAAGGAGGCAAAGACGATGTCCACCCCATGCTCCACCCCGAAGCGCA[G>C]GTCTCGGACGTCCTGCTCGGACAGCCCGGGCAAGTCCACCTGGGCCCCTGGCAAGTTCAC-3'
Protein context (NP_000289.1, residues 262-282): PGLSEQDVRD[Leu272Val]RFGVEHGVDI